The following is an entry in ClinVar:

ClinVar aggregate classification (germline): Uncertain significance. Review status: criteria provided, multiple submitters, no conflicts (2 of 4 stars). 6 submissions from 6 submitters: Uncertain significance (5). 1 of the submissions does not count toward it. Last evaluated 2025-07-03.

Conditions:
BRIP1-related disorder. Also called: BRIP1-related condition; BRIP1-related disorders. Identifiers: MedGen CN239206.
Familial cancer of breast. Also called: BREAST CANCER, FAMILIAL; hereditary breast carcinoma; Hereditary breast cancer. Identifiers: Orphanet 227535, MedGen C0346153, MONDO:0016419, OMIM 114480. Disease mechanism: loss of function.
Fanconi anemia complementation group J. Also called: BRIP1-Related Fanconi Anemia. Identifiers: Orphanet 84, MedGen C1836860, MONDO:0012187, OMIM 609054.
Hereditary cancer-predisposing syndrome. Also called: Neoplastic Syndromes, Hereditary; Hereditary neoplastic syndrome; Tumor predisposition; Hereditary Cancer Syndrome. Identifiers: Orphanet 140162, MedGen C0027672, MeSH D009386, MONDO:0015356.

Submissions (6):

Labcorp Genetics (formerly Invitae), Labcorp
Classification: Uncertain significance for Familial cancer of breast; Fanconi anemia complementation group J. Last evaluated: 2025-07-03. Review status: criteria provided, single submitter. Criteria: Invitae Variant Classification Sherloc (09022015). Collection method: clinical testing. Allele origin: germline.
Comment: This sequence change replaces arginine, which is basic and polar, with threonine, which is neutral and polar, at codon 1154 of the BRIP1 protein (p.Arg1154Thr). This variant is not present in population databases (gnomAD no frequency). This variant has not been reported in the literature in individuals affected with BRIP1-related conditions. ClinVar contains an entry for this variant (Variation ID: 386142). Invitae Evidence Modeling of protein sequence and biophysical properties (such as structural, functional, and spatial information, amino acid conservation, physicochemical variation, residue mobility, and thermodynamic stability) indicates that this missense variant is not expected to disrupt BRIP1 protein function with a negative predictive value of 95%. In summary, the available evidence is currently insufficient to determine the role of this variant in disease. Therefore, it has been classified as a Variant of Uncertain Significance.

St. Jude Molecular Pathology, St. Jude Children's Research Hospital
Classification: Uncertain significance for Familial cancer of breast. Last evaluated: 2023-10-19. Review status: criteria provided, single submitter. Criteria: St. Jude Assertion Criteria 2020. Collection method: clinical testing. Allele origin: germline.
Comment: The BRIP1 c.3461G>C (p.Arg1154Thr) missense change is absent in gnomAD v2.1.1. The in silico tool REVEL predicts a benign effect on protein function, but to our knowledge this prediction has not been confirmed by functional studies. To our knowledge, this variant has not been reported in the literature in individuals with hereditary breast and ovarian cancer or Fanconi anemia. It is also absent in a database of women older than 70 years of age who have never had cancer (FLOSSIES database). In summary, the evidence currently available is insufficient to determine the clinical significance of this variant. It has therefore been classified as of uncertain significance.

Color Diagnostics, LLC DBA Color Health
Classification: Uncertain significance for Hereditary cancer-predisposing syndrome. Last evaluated: 2023-08-29. Review status: criteria provided, single submitter. Criteria: ACMG Guidelines, 2015. Collection method: clinical testing. Allele origin: germline.
Comment: This missense variant replaces arginine with threonine at codon 1154 of the BRIP1 protein. Computational prediction suggests that this variant may not impact protein structure and function (internally defined REVEL score threshold <= 0.5, PMID: 27666373). To our knowledge, functional studies have not been reported for this variant. This variant has not been reported in individuals affected with BRIP1-related disorders in the literature. This variant has not been identified in the general population by the Genome Aggregation Database (gnomAD). The available evidence is insufficient to determine the role of this variant in disease conclusively. Therefore, this variant is classified as a Variant of Uncertain Significance.

Ambry Genetics
Classification: Uncertain significance for Hereditary cancer-predisposing syndrome. Last evaluated: 2023-02-16. Review status: criteria provided, single submitter. Criteria: Ambry Variant Classification Scheme 2023. Collection method: clinical testing. Allele origin: germline.
Comment: The p.R1154T variant (also known as c.3461G>C), located in coding exon 19 of the BRIP1 gene, results from a G to C substitution at nucleotide position 3461. The arginine at codon 1154 is replaced by threonine, an amino acid with similar properties. This amino acid position is not well conserved in available vertebrate species. In addition, this alteration is predicted to be tolerated by in silico analysis. Since supporting evidence is limited at this time, the clinical significance of this alteration remains unclear.

GeneDx
Classification: Uncertain significance. Last evaluated: 2016-05-05. Review status: criteria provided, single submitter. Criteria: GeneDx Variant Classification (06012015). Collection method: clinical testing. Allele origin: germline. Affected: yes.
Comment: The R1154T variant in the BRIP1 gene has not been reported previously as a pathogenic variant, nor as a benign variant, to our knowledge. This variant was not observed in approximately 6500 individuals of European and African American ancestry in the NHLBI Exome Sequencing Project, indicating it is not a common benign variant in these populations. The R1154T variant is a semi-conservative amino acid substitution, which may impact secondary protein structure as these residues differ in some properties. This substitution occurs at a position that is not conserved, and in silico analysis predicts this variant likely does not alter the protein structure/function. We interpret R1154T as a variant of uncertain significance.

PreventionGenetics, part of Exact Sciences
Classification: Uncertain significance for BRIP1-related condition. Last evaluated: 2023-11-07. Review status: no assertion criteria provided. Collection method: clinical testing. Allele origin: germline. Not counted in ClinVar's aggregate classification.
Comment: The BRIP1 c.3461G>C variant is predicted to result in the amino acid substitution p.Arg1154Thr. To our knowledge, this variant has not been reported in the literature or in a large population database, indicating this variant is rare. This variant is interpreted as uncertain significance in ClinVar. At this time, the clinical significance of this variant is uncertain due to the absence of conclusive functional and genetic evidence.

NM_032043.3(BRIP1):c.3461G>C (p.Arg1154Thr)

Gene: BRIP1 (BRCA1 interacting DNA helicase 1; minus strand). Cytogenetic location: 17q23.2.
Variant type: single nucleotide variant.
Coding change: c.3461G>C on transcript NM_032043.3 (MANE Select); coding-DNA position 3461, G replaced by C.
Protein change: p.Arg1154Thr; replaces arginine 1154 with threonine.
Molecular consequence: missense variant.
Genome position (GRCh38, 1-based): chr17:61,683,585, C>G on the plus strand (G>C on the coding strand, the complement: BRIP1 is on the minus strand). VCF-style: chr17-61683585-C-G. GRCh37 (hg19) VCF-style: chr17-59760946-C-G.
Other names: short protein forms R1154T.
Identifiers: ClinVar variation 386142 (VCV000386142.19), dbSNP rs1057522433, ClinGen allele CA16607403.